The following is an entry in ClinVar:

NM_000129.4(F13A1):c.1918A>G (p.Thr640Ala)

Gene: F13A1 (coagulation factor XIII A chain; minus strand). Cytogenetic location: 6p25.1.
Variant type: single nucleotide variant.
Coding change: c.1918A>G on transcript NM_000129.4 (MANE Select); coding-DNA position 1918, A replaced by G.
Protein change: p.Thr640Ala; replaces threonine 640 with alanine.
Molecular consequence: missense variant.
Genome position (GRCh38, 1-based): chr6:6,151,940, T>C on the plus strand (A>G on the coding strand, the complement: F13A1 is on the minus strand). VCF-style: chr6-6151940-T-C. GRCh37 (hg19) VCF-style: chr6-6152173-T-C.
Other names: short protein forms T640A.
Identifiers: ClinVar variation 5001548 (VCV005001548.1).
Genomic context (GRCh38, chr6:6,151,940, plus strand): 5'-TTTCTTTTAAAGGATTGGTAAACTCAACTGTCACAGTCATGTCAGAACCAACTACCTGAG[T>C]GCCACGGACCTAAGAGAGAGAATGCAGGTCATTAGCACCAAATAAAACCTCGTTCTGCTC-3'
Protein context (NP_000120.2, residues 630-650): IPEIIIKVRG[Thr640Ala]QVVGSDMTVT

ClinVar aggregate classification (germline): Uncertain significance (1 of 4 stars; one submission).

Conditions:
F13A1-related disorder. Also called: F13A1-related condition.

gnomAD v4.1: 1 of 1,614,000 alleles (0.000062%); highest among the groups gnomAD compares: Admixed American, 0.0017%; no homozygotes.

Submission:

PreventionGenetics, part of Exact Sciences
Classification: Uncertain significance for F13A1-related condition. Last evaluated: 2025-06-25. Review status: criteria provided, single submitter. Criteria: ACMG Guidelines, 2015. Collection method: clinical testing. Allele origin: germline.
Comment: The F13A1 c.1918A>G variant is predicted to result in the amino acid substitution p.Thr640Ala. To our knowledge, this variant has not been reported in the literature. This variant is reported in 0.0029% of alleles in individuals of Latino descent in gnomAD. At this time, the clinical significance of this variant is uncertain due to the absence of conclusive functional and genetic evidence.